The following is an entry in ClinVar:

ClinVar aggregate classification (germline): Pathogenic (1 of 4 stars; one submission).

Conditions:
Familial adenomatous polyposis 1 (FAP1). Also called: FAMILIAL ADENOMATOUS POLYPOSIS 1, ATTENUATED; POLYPOSIS, ADENOMATOUS INTESTINAL. Identifiers: MedGen C2713442, MONDO:0021056, OMIM 175100. Disease mechanism: loss of function.

Allele frequency attached by ClinVar (database versions not stated): TOPMed below 0.00001; gnomAD 0.00001.
gnomAD v4.1: 1 of 1,613,750 alleles (0.000062%); highest among the groups gnomAD compares: Admixed American, 0.0017%; no homozygotes.

Submission:

Myriad Genetics, Inc.
Classification: Pathogenic for Familial adenomatous polyposis 1. Last evaluated: 2023-05-16. Review status: criteria provided, single submitter. Criteria: Myriad Autosomal Dominant, Autosomal Recessive and X-Linked Classification Criteria (2023). Collection method: clinical testing. Allele origin: unknown.
Comment: This variant is considered pathogenic. This variant creates a termination codon and is predicted to result in premature protein truncation.

NM_000038.6(APC):c.6983C>G (p.Ser2328Ter)

Gene: APC (APC regulator of Wnt signaling pathway; plus strand). Cytogenetic location: 5q22.2.
Variant type: single nucleotide variant.
Coding change: c.6983C>G on transcript NM_000038.6 (MANE Select); coding-DNA position 6983, C replaced by G.
Protein change: p.Ser2328Ter; replaces serine 2328 with a stop codon.
Molecular consequence: nonsense. On other transcripts: non-coding transcript variant (2).
Genome position (GRCh38, 1-based): chr5:112,842,577, C>G. VCF-style: chr5-112842577-C-G. GRCh37 (hg19) VCF-style: chr5-112178274-C-G.
Other names: c.6983C>G, p.Ser2328Ter (NM_001127510.3, NM_001354895.2, NM_001407450.1); c.6929C>G, p.Ser2310Ter (NM_001127511.3); c.7037C>G, p.Ser2346Ter (NM_001354896.2, NM_001407447.1, NM_001407448.1 and 1 more transcripts); c.7013C>G, p.Ser2338Ter (NM_001354897.2); c.6908C>G, p.Ser2303Ter (NM_001354898.2); c.6899C>G, p.Ser2300Ter (NM_001354899.2); c.6860C>G, p.Ser2287Ter (NM_001354900.2); c.6806C>G, p.Ser2269Ter (NM_001354901.2, NM_001407453.1); and 11 more; short protein forms S1944*, S2045*, S2168*, S2199*, S2202*, S2227*, S2237*, S2245*.
Identifiers: ClinVar variation 2584220 (VCV002584220.1), dbSNP rs1766347750, ClinGen allele CA16036556.